The following is an entry in ClinVar:

ClinVar aggregate classification (germline): Pathogenic/Likely pathogenic. Review status: criteria provided, multiple submitters, no conflicts (2 of 4 stars). 2 submissions from 2 submitters: Pathogenic (1); Likely pathogenic (1). Last evaluated 2022-02-08.

Conditions:
Hereditary spastic paraplegia 49 (HSAN9). Also called: Spastic paraplegia 49, autosomal recessive; NEUROPATHY, HEREDITARY SENSORY AND AUTONOMIC, TYPE IX, WITH DEVELOPMENTAL DELAY; TECPR2-Related Hereditary Sensory and Autonomic Neuropathy with Intellectual Disability. Identifiers: Orphanet 320385, MedGen C5190860, MONDO:0014016, OMIM 615031.

Submissions (2):

Labcorp Genetics (formerly Invitae), Labcorp
Classification: Pathogenic for Hereditary spastic paraplegia 49. Last evaluated: 2022-02-08. Review status: criteria provided, single submitter. Criteria: Invitae Variant Classification Sherloc (09022015). Collection method: clinical testing. Allele origin: germline.
Comment: This sequence change creates a premature translational stop signal (p.Asn944Thrfs*7) in the TECPR2 gene. It is expected to result in an absent or disrupted protein product. Loss-of-function variants in TECPR2 are known to be pathogenic (PMID: 23176824, 25590979). This variant is not present in population databases (gnomAD no frequency). For these reasons, this variant has been classified as Pathogenic. ClinVar contains an entry for this variant (Variation ID: 973501). This premature translational stop signal has been observed in individual(s) with hereditary spastic paraplegia (PMID: 33847017).

Institute of Human Genetics, University of Leipzig Medical Center
Classification: Likely pathogenic for Hereditary spastic paraplegia 49. Last evaluated: 2020-06-11. Review status: criteria provided, single submitter. Criteria: ACMG Guidelines, 2015. Collection method: research. Allele origin: inherited. Inheritance: Autosomal recessive inheritance. Affected: yes. Observed: 1 homozygote.
Comment: This frameshift variant c.2829del, p.(Asn944Thrfs*7) in exon 12/20 of TECPR2 has not been reported in the general population, in public mutation databases or in the literature. However, biallelic truncating or missense variants have been described to cause â€œSpastic paraplegia 49, autosomal recessiveâ€ (Oz-Levi et al. Am J Hum Genet. 2012, PMID: 23176824). The frameshifting variant c.2829del causes no mRNA decay as shown by RT-PCR and qPCR from PAXgene. Taken together, we classify this variant as likely pathogenic based on the ACMG recommendations (Richards et al., 2015, PMID 25741868; criteria: PVS1 PM2).

Literature cited by the submitters: PubMed 23176824 (cited by Labcorp Genetics (formerly Invitae), Labcorp); PubMed 25590979 (cited by Labcorp Genetics (formerly Invitae), Labcorp); PubMed 33847017 (cited by Labcorp Genetics (formerly Invitae), Labcorp).

NM_014844.5(TECPR2):c.2829del (p.Asn944fs)

Gene: TECPR2 (tectonin beta-propeller repeat containing 2; plus strand). Cytogenetic location: 14q32.31.
Variant type: Deletion.
Coding change: c.2829del on transcript NM_014844.5 (MANE Select); coding-DNA position 2829, one base deleted (G; older notation c.2829delG).
Protein change: p.Asn944fs; shifts the reading frame from asparagine 944.
Molecular consequence: frameshift variant.
Genome position (GRCh38, 1-based): chr14:102,443,723, G deleted; the last of 2 consecutive G bases (chr14:102,443,722-102,443,723); deleting either gives the same sequence. VCF-style (leftmost placement, unchanged base first): chr14-102443721-CG-C. GRCh37 (hg19) VCF-style: chr14-102910058-CG-C.
Other names: c.2829del, p.Asn944fs (NM_001172631.3); short protein forms N944fs.
Identifiers: ClinVar variation 973501 (VCV000973501.8), dbSNP rs1889895576, ClinGen allele CA1139663758.